The following is an entry in ClinVar:

NM_033109.5(PNPT1):c.1470C>T (p.Gly490=)

Gene: PNPT1 (polyribonucleotide nucleotidyltransferase 1; minus strand). Cytogenetic location: 2p16.1.
Variant type: single nucleotide variant.
Coding change: c.1470C>T on transcript NM_033109.5 (MANE Select); coding-DNA position 1470, C replaced by T.
Protein change: p.Gly490=; no amino-acid change (glycine 490 retained).
Molecular consequence: synonymous variant.
Genome position (GRCh38, 1-based): chr2:55,654,925, G>A on the plus strand (C>T on the coding strand, the complement: PNPT1 is on the minus strand). VCF-style: chr2-55654925-G-A. GRCh37 (hg19) VCF-style: chr2-55882060-G-A.
Identifiers: ClinVar variation 1218282 (VCV001218282.10), dbSNP rs773370891, ClinGen allele CA1668059.
Genomic context (GRCh38, chr2:55,654,925, plus strand): 5'-GCAATATCAGCAGTTTTGAGACATAATTCTTTTACCTGAATCCATTAATGCTAAACTTCC[G>A]CCACATGCAGATGCCATAGAAGATGACCCTATAGAAAGAAAAATAACTGCTTTATATTAA-3'
Protein context (NP_149100.2, residues 480-500): NGSSSMASAC[Gly490=]GSLALMDSGV

ClinVar aggregate classification (germline): Likely benign. Review status: criteria provided, multiple submitters, no conflicts (2 of 4 stars). 3 submissions from 3 submitters: Likely benign (2). 1 of the submissions does not count toward it. Last evaluated 2025-11-02.

Conditions:
PNPT1-related disorder. Also called: PNPT1-related condition; PNPT1-related disorders.

Allele frequency attached by ClinVar (database versions not stated): TOPMed below 0.00001; ExAC 0.00001; gnomAD 0.00001; gnomAD exomes 0.00001 and 0.00002.
gnomAD v4.1: 25 of 1,612,762 alleles (0.0016%); highest among the groups gnomAD compares: African/African-American, 0.0027%; no homozygotes.

Submissions (3):

Labcorp Genetics (formerly Invitae), Labcorp
Classification: Likely benign. Last evaluated: 2025-11-02. Review status: criteria provided, single submitter. Criteria: Invitae Variant Classification Sherloc (09022015). Collection method: clinical testing. Allele origin: germline.

GeneDx
Classification: Likely benign. Last evaluated: 2018-11-16. Review status: criteria provided, single submitter. Criteria: GeneDx Variant Classification Process June 2021. Collection method: clinical testing. Allele origin: germline. Affected: yes.

PreventionGenetics, part of Exact Sciences
Classification: Likely benign for PNPT1-related condition. Last evaluated: 2022-09-08. Review status: no assertion criteria provided. Collection method: clinical testing. Allele origin: germline. Not counted in ClinVar's aggregate classification.
Comment: This variant is classified as likely benign based on ACMG/AMP sequence variant interpretation guidelines (Richards et al. 2015 PMID: 25741868, with internal and published modifications).